The following is an entry in ClinVar:

NM_001844.5(COL2A1):c.2484G>C (p.Gly828=)

Gene: COL2A1 (collagen type II alpha 1 chain; minus strand). Cytogenetic location: 12q13.11.
Variant type: single nucleotide variant.
Coding change: c.2484G>C on transcript NM_001844.5 (MANE Select); coding-DNA position 2484, G replaced by C.
Protein change: p.Gly828=; no amino-acid change (glycine 828 retained).
Molecular consequence: synonymous variant.
Genome position (GRCh38, 1-based): chr12:47,980,948, C>G on the plus strand (G>C on the coding strand, the complement: COL2A1 is on the minus strand). VCF-style: chr12-47980948-C-G. GRCh37 (hg19) VCF-style: chr12-48374731-C-G.
Other names: c.2277G>C, p.Gly759= (NM_033150.3).
Identifiers: ClinVar variation 308917 (VCV000308917.31), dbSNP rs1793940, ClinGen allele CA6535075.
Genomic context (GRCh38, chr12:47,980,948, plus strand): 5'-CCCAGGAGGATGGACAGAGATACTCACAGGAGGCCCAGCAAATCCCGCTGGTCCGGGGGG[C>G]CCAGTCTCTCCACGTTCACCCTGTGAGAGAAGGGGGCATGGCGAGAGGTCAGGCCCCGCT-3'
Protein context (NP_001835.3, residues 818-838): RGAPGERGET[Gly828=]PPGPAGFAGP

ClinVar aggregate classification (germline): Benign. Review status: criteria provided, multiple submitters, no conflicts (2 of 4 stars). 10 submissions from 9 submitters: Benign (8). 2 of the submissions do not count toward it. Last evaluated 2026-05-11.

Conditions:
Type 2 collagenopathy. Identifiers: Orphanet 93421, MedGen C2931073, MONDO:0022800.
Connective tissue disorder. Also called: Connective tissue disease. Identifiers: MedGen C0009782, MONDO:0003900.
Stickler syndrome type 1 (STL1). Also called: ARTHROOPHTHALMOPATHY, HEREDITARY PROGRESSIVE; COL2A1-Related Stickler Syndrome; STICKLER SYNDROME, MEMBRANOUS VITREOUS TYPE; STICKLER SYNDROME, VITREOUS TYPE 1. Identifiers: Orphanet 828, Orphanet 90653, MedGen C2020284, MONDO:0007160, OMIM 108300.

Allele frequency attached by ClinVar (database versions not stated): ESP Exome Variant Server 0.00742; gnomAD 0.01133 and 0.01213; 1000 Genomes Project 0.01278; 1000 Genomes Project 30x 0.01483; ExAC 0.00549; TOPMed 0.01123.

Submissions (10):

Women's Health and Genetics/Laboratory Corporation of America, LabCorp
Classification: Benign. Last evaluated: 2026-05-11. Review status: criteria provided, single submitter. Criteria: LabCorp Variant Classification Summary - May 2015. Collection method: clinical testing. Allele origin: germline.

Labcorp Genetics (formerly Invitae), Labcorp
Classification: Benign. Last evaluated: 2026-02-03. Review status: criteria provided, single submitter. Criteria: Invitae Variant Classification Sherloc (09022015). Collection method: clinical testing. Allele origin: germline.

ARUP Laboratories, Molecular Genetics and Genomics, ARUP Laboratories
Classification: Benign. Last evaluated: 2025-06-20. Review status: criteria provided, single submitter. Criteria: ARUP Molecular Germline Variant Investigation Process 2024. Collection method: clinical testing. Allele origin: germline.

Genome Diagnostics Laboratory, The Hospital for Sick Children
Classification: Benign for Connective tissue disorder. Last evaluated: 2021-09-13. Review status: criteria provided, single submitter. Criteria: ACMG Guidelines, 2015. Collection method: clinical testing. Allele origin: germline.

Illumina Laboratory Services, Illumina
Classification: Benign for Type II Collagenopathies. Last evaluated: 2018-01-12. Review status: criteria provided, single submitter. Criteria: ICSL Variant Classification Criteria 13 December 2019. Collection method: clinical testing. Allele origin: germline.
Comment: This variant was observed in the ICSL laboratory as part of a predisposition screen in an ostensibly healthy population. It had not been previously curated by ICSL or reported in the Human Gene Mutation Database (HGMD: prior to June 1st, 2018), and was therefore a candidate for classification through an automated scoring system. Utilizing variant allele frequency, disease prevalence and penetrance estimates, and inheritance mode, an automated score was calculated to assess if this variant is too frequent to cause the disease. Based on the score and internal cut-off values, a variant classified as benign is not then subjected to further curation. The score for this variant resulted in a classification of benign for this disease.

Illumina Laboratory Services, Illumina
Classification: Benign for Stickler syndrome type 1. Last evaluated: 2018-01-12. Review status: criteria provided, single submitter. Criteria: ICSL Variant Classification Criteria 13 December 2019. Collection method: clinical testing. Allele origin: germline.
Comment: the same text as in the submission from Illumina Laboratory Services, Illumina above.

GeneDx
Classification: Benign. Last evaluated: 2016-10-19. Review status: criteria provided, single submitter. Criteria: GeneDx Variant Classification (06012015). Collection method: clinical testing. Allele origin: germline. Affected: yes.
Comment: This variant is considered likely benign or benign based on one or more of the following criteria: it is a conservative change, it occurs at a poorly conserved position in the protein, it is predicted to be benign by multiple in silico algorithms, and/or has population frequency not consistent with disease.

Breakthrough Genomics
Classification: Benign. Review status: criteria provided, single submitter. Criteria: ACMG Guidelines, 2015. Collection method: not provided. Allele origin: germline. Inheritance: Autosomal dominant inheritance. Affected: yes.

Genome Diagnostics Laboratory, Amsterdam University Medical Center
Classification: Benign. Review status: no assertion criteria provided. Collection method: clinical testing. Allele origin: germline. Affected: yes. Study: VKGL Data-share Consensus. Not counted in ClinVar's aggregate classification.

Laboratory of Diagnostic Genome Analysis, Leiden University Medical Center (LUMC)
Classification: Likely benign. Review status: no assertion criteria provided. Collection method: clinical testing. Allele origin: germline. Affected: yes. Study: VKGL Data-share Consensus. Not counted in ClinVar's aggregate classification.